The following is an entry in ClinVar:

ClinVar aggregate classification (germline): Likely pathogenic (1 of 4 stars; one submission).

Conditions:
Gaucher disease. Also called: Acute cerebral Gaucher disease; Cerebroside lipidosis syndrome; Gaucher splenomegaly; Sphingolipidosis 1; Glucocerebrosidosis; Glucosylceramidase deficiency. Identifiers: Orphanet 355, MedGen C0017205, MONDO:0018150.

Submission:

Natera, Inc.
Classification: Likely pathogenic for Gaucher disease. Last evaluated: 2026-01-14. Review status: criteria provided, single submitter. Criteria: Natera Variant Classification Schema (03/2026). Collection method: clinical testing. Allele origin: germline.
Comment: The c.586A>T variant in GBA1 is a nonsense variant predicted to introduce a stop codon at amino acid 196. This variant is expected to result in nonsense mediated decay, truncation, or a dysfunctional protein product. This variant is rare in the general population with a frequency below the threshold expected for the associated phenotype(s). Given the available evidence, this variant is classified as Likely Pathogenic.

NM_000157.4(GBA1):c.586A>T (p.Lys196Ter)

Genes: GBA1 (glucosylceramidase beta 1; minus strand), LOC106627981 (GBA recombination region; plus strand). Cytogenetic location: 1q22.
Variant type: single nucleotide variant.
Coding change: c.586A>T on transcript NM_000157.4 (MANE Select); coding-DNA position 586, A replaced by T.
Protein change: p.Lys196Ter; replaces lysine 196 with a stop codon.
Molecular consequence: nonsense.
Genome position (GRCh38, 1-based): chr1:155,238,519, T>A on the plus strand (A>T on the coding strand, the complement: GBA1 is on the minus strand). VCF-style: chr1-155238519-T-A. GRCh37 (hg19) VCF-style: chr1-155208310-T-A.
Other names: c.586A>T, p.Lys196Ter (NM_001005741.3, NM_001005742.3); c.325A>T, p.Lys109Ter (NM_001171811.2); c.439A>T, p.Lys147Ter (NM_001171812.2); short protein forms K109*, K147*, K196*.
Identifiers: ClinVar variation 4817775 (VCV004817775.1).